The following is an entry in ClinVar:

NM_004656.4(BAP1):c.1434G>A (p.Val478=)

Gene: BAP1 (BRCA1 associated deubiquitinase 1; minus strand). Cytogenetic location: 3p21.1.
Variant type: single nucleotide variant.
Coding change: c.1434G>A on transcript NM_004656.4 (MANE Select); coding-DNA position 1434, G replaced by A.
Protein change: p.Val478=; no amino-acid change (valine 478 retained).
Molecular consequence: synonymous variant.
Genome position (GRCh38, 1-based): chr3:52,403,711, C>T on the plus strand (G>A on the coding strand, the complement: BAP1 is on the minus strand). VCF-style: chr3-52403711-C-T. GRCh37 (hg19) VCF-style: chr3-52437727-C-T.
Identifiers: ClinVar variation 629901 (VCV000629901.12), dbSNP rs777484307, ClinGen allele CA2436804.

ClinVar aggregate classification (germline): Benign/Likely benign. Review status: criteria provided, multiple submitters, no conflicts (2 of 4 stars). 4 submissions from 4 submitters: Benign (1); Likely benign (3). Last evaluated 2025-04-13.

Conditions:
BAP1-related tumor predisposition syndrome (TPDS1). Also called: Tumor susceptibility linked to germline BAP1 mutations; BAP1 tumor predisposition syndrome; TUMOR PREDISPOSITION SYNDROME 1; COMMON Syndrome. Identifiers: Orphanet 289539, MedGen C3280492, MONDO:0013692, OMIM 614327.
Hereditary cancer-predisposing syndrome. Also called: Neoplastic Syndromes, Hereditary; Tumor predisposition; Hereditary neoplastic syndrome; Hereditary Cancer Syndrome. Identifiers: Orphanet 140162, MedGen C0027672, MeSH D009386, MONDO:0015356.

Allele frequency attached by ClinVar (database versions not stated): gnomAD exomes 0.00001 and 0.00002; ExAC 0.00002.
gnomAD v4.1: 22 of 1,614,012 alleles (0.0014%); highest among the groups gnomAD compares: Non-Finnish European, 0.0019%; no homozygotes.

Submissions (4):

Labcorp Genetics (formerly Invitae), Labcorp
Classification: Likely benign for BAP1-related tumor predisposition syndrome. Last evaluated: 2025-04-13. Review status: criteria provided, single submitter. Criteria: Invitae Variant Classification Sherloc (09022015). Collection method: clinical testing. Allele origin: germline.

Myriad Genetics, Inc.
Classification: Benign for BAP1-related tumor predisposition syndrome. Last evaluated: 2024-07-16. Review status: criteria provided, single submitter. Criteria: Myriad Autosomal Dominant, Autosomal Recessive and X-Linked Classification Criteria (2023). Collection method: clinical testing. Allele origin: unknown.
Comment: This variant is considered benign. This variant is a silent/synonymous amino acid change and it is not expected to impact splicing.

Ambry Genetics
Classification: Likely benign for Hereditary cancer-predisposing syndrome. Last evaluated: 2021-08-19. Review status: criteria provided, single submitter. Criteria: Ambry Variant Classification Scheme 2023. Collection method: clinical testing. Allele origin: germline.

Color Diagnostics, LLC DBA Color Health
Classification: Likely benign for Hereditary cancer-predisposing syndrome. Last evaluated: 2018-05-29. Review status: criteria provided, single submitter. Criteria: ACMG Guidelines, 2015. Collection method: clinical testing. Allele origin: germline.